The following is an entry in ClinVar:

NM_000316.3(PTH1R):c.1000G>A (p.Val334Ile)

Gene: PTH1R (parathyroid hormone 1 receptor; plus strand). Cytogenetic location: 3p21.31.
Variant type: single nucleotide variant.
Coding change: c.1000G>A on transcript NM_000316.3 (MANE Select); coding-DNA position 1000, G replaced by A.
Protein change: p.Val334Ile; replaces valine 334 with isoleucine.
Molecular consequence: missense variant.
Genome position (GRCh38, 1-based): chr3:46,901,036, G>A. VCF-style: chr3-46901036-G-A. GRCh37 (hg19) VCF-style: chr3-46942526-G-A.
Other names: c.1000G>A, p.Val334Ile (NM_001184744.1); short protein forms V334I.
Identifiers: ClinVar variation 3682188 (VCV003682188.2).
Genomic context (GRCh38, chr3:46,901,036, plus strand): 5'-TGTGGACAGCAGCCACAGTCCTGCACACTGTCCCCCTCTGTGCCCACAGGTCTGCCCGCT[G>A]TCTTCGTGGCTGTGTGGGTCAGTGTCAGAGCTACCCTGGCCAACACCGGGTAGGTCCAGG-3'
Protein context (NP_000307.1, residues 324-344): FTVFGWGLPA[Val334Ile]FVAVWVSVRA

ClinVar aggregate classification (germline): Uncertain significance (1 of 4 stars; one submission).

Submission:

Labcorp Genetics (formerly Invitae), Labcorp
Classification: Uncertain significance. Last evaluated: 2025-01-13. Review status: criteria provided, single submitter. Criteria: Invitae Variant Classification Sherloc (09022015). Collection method: clinical testing. Allele origin: germline.
Comment: This sequence change replaces valine, which is neutral and non-polar, with isoleucine, which is neutral and non-polar, at codon 334 of the PTH1R protein (p.Val334Ile). This variant is not present in population databases (gnomAD no frequency). This variant has not been reported in the literature in individuals affected with PTH1R-related conditions. Invitae Evidence Modeling of protein sequence and biophysical properties (such as structural, functional, and spatial information, amino acid conservation, physicochemical variation, residue mobility, and thermodynamic stability) indicates that this missense variant is not expected to disrupt PTH1R protein function with a negative predictive value of 80%. In summary, the available evidence is currently insufficient to determine the role of this variant in disease. Therefore, it has been classified as a Variant of Uncertain Significance.